The following is an entry in ClinVar:

ClinVar aggregate classification (germline): Likely benign. Review status: criteria provided, multiple submitters, no conflicts (2 of 4 stars). 4 submissions from 4 submitters: Likely benign (4). Last evaluated 2024-11-10.

Allele frequency attached by ClinVar (database versions not stated): gnomAD 0.00001 and 0.00002; TOPMed 0.00002; ExAC 0.00003; gnomAD exomes 0.00003.
gnomAD v4.1: 28 of 1,613,708 alleles (0.0017%); highest among the groups gnomAD compares: South Asian, 0.0044%; no homozygotes.

Submissions (4):

Labcorp Genetics (formerly Invitae), Labcorp
Classification: Likely benign. Last evaluated: 2024-11-10. Review status: criteria provided, single submitter. Criteria: Invitae Variant Classification Sherloc (09022015). Collection method: clinical testing. Allele origin: germline.

Women's Health and Genetics/Laboratory Corporation of America, LabCorp
Classification: Likely benign. Last evaluated: 2024-03-20. Review status: criteria provided, single submitter. Criteria: LabCorp Variant Classification Summary - May 2015. Collection method: clinical testing. Allele origin: germline.

Blueprint Genetics
Classification: Likely benign. Last evaluated: 2023-12-08. Review status: criteria provided, single submitter. Criteria: ACMG Guidelines, 2015. Collection method: clinical testing. Allele origin: germline.

GeneDx
Classification: Likely benign. Last evaluated: 2016-12-15. Review status: criteria provided, single submitter. Criteria: GeneDx Variant Classification (06012015). Collection method: clinical testing. Allele origin: germline. Affected: yes.
Comment: This variant is considered likely benign or benign based on one or more of the following criteria: it is a conservative change, it occurs at a poorly conserved position in the protein, it is predicted to be benign by multiple in silico algorithms, and/or has population frequency not consistent with disease.

NM_130837.3(OPA1):c.2229G>A (p.Pro743=)

Gene: OPA1 (OPA1 mitochondrial dynamin like GTPase; plus strand). Cytogenetic location: 3q29.
Variant type: single nucleotide variant.
Coding change: c.2229G>A on transcript NM_130837.3 (MANE Select); coding-DNA position 2229, G replaced by A.
Protein change: p.Pro743=; no amino-acid change (proline 743 retained).
Molecular consequence: synonymous variant.
Genome position (GRCh38, 1-based): chr3:193,657,130, G>A. VCF-style: chr3-193657130-G-A. GRCh37 (hg19) VCF-style: chr3-193374919-G-A.
Other names: c.1695G>A, p.Pro565= (NM_001354663.2); c.1692G>A, p.Pro564= (NM_001354664.2); c.2064G>A, p.Pro688= (NM_015560.3); c.1956G>A, p.Pro652= (NM_130831.3); c.2010G>A, p.Pro670= (NM_130832.3); c.2067G>A, p.Pro689= (NM_130833.3); c.2118G>A, p.Pro706= (NM_130834.3); c.2121G>A, p.Pro707= (NM_130835.3); and 1 more.
Identifiers: ClinVar variation 391681 (VCV000391681.10), dbSNP rs768448865, ClinGen allele CA2759612.